The following is an entry in ClinVar:

NM_003632.3(CNTNAP1):c.2833G>A (p.Gly945Ser)

Gene: CNTNAP1 (contactin associated protein 1; plus strand). Cytogenetic location: 17q21.2.
Variant type: single nucleotide variant.
Coding change: c.2833G>A on transcript NM_003632.3 (MANE Select); coding-DNA position 2833, G replaced by A.
Protein change: p.Gly945Ser; replaces glycine 945 with serine.
Molecular consequence: missense variant.
Genome position (GRCh38, 1-based): chr17:42,693,377, G>A. VCF-style: chr17-42693377-G-A. GRCh37 (hg19) VCF-style: chr17-40845395-G-A.
Other names: p.Gly945Ser; c.2833G>A (NM_003632.2); short protein forms G945S.
Identifiers: ClinVar variation 1482114 (VCV001482114.10), dbSNP rs151308193, ClinGen allele CA8582168.

ClinVar aggregate classification (germline): Uncertain significance. Review status: criteria provided, multiple submitters, no conflicts (2 of 4 stars). 5 submissions from 5 submitters: Uncertain significance (5). Last evaluated 2024-12-04.

Conditions:
Inborn genetic diseases. Identifiers: MedGen C0950123, MeSH D030342.

Allele frequency attached by ClinVar (database versions not stated): TOPMed 0.00007; gnomAD exomes 0.00008 and 0.00016; ExAC 0.00007; gnomAD 0.00009; ESP Exome Variant Server 0.00015.

Submissions (5):

GeneDx
Classification: Uncertain significance. Last evaluated: 2024-12-04. Review status: criteria provided, single submitter. Criteria: GeneDx Variant Classification Process June 2021. Collection method: clinical testing. Allele origin: germline. Affected: yes.
Comment: Not observed at significant frequency in large population cohorts (gnomAD); In silico analysis indicates that this missense variant does not alter protein structure/function; Has not been previously published as pathogenic or benign to our knowledge

Women's Health and Genetics/Laboratory Corporation of America, LabCorp
Classification: Uncertain significance. Last evaluated: 2024-11-25. Review status: criteria provided, single submitter. Criteria: LabCorp Variant Classification Summary - May 2015. Collection method: clinical testing. Allele origin: germline.
Comment: Variant summary: CNTNAP1 c.2833G>A (p.Gly945Ser) results in a non-conservative amino acid change located in the Laminin G domain (IPR001791) of the encoded protein sequence. Three of five in-silico tools predict a benign effect of the variant on protein function. The variant allele was found at a frequency of 7.6e-05 in 251482 control chromosomes, predominantly at a frequency of 0.00015 within the Non-Finnish European subpopulation in the gnomAD database. This frequency is not significantly higher than estimated for a pathogenic variant in CNTNAP1 causing Neuropathy, congenital hypomyelinating, 3 (7.6e-05 vs 0.0011), allowing no conclusion about variant significance. To our knowledge, no occurrence of c.2833G>A in individuals affected with Neuropathy, congenital hypomyelinating, 3 and no experimental evidence demonstrating its impact on protein function have been reported. ClinVar contains an entry for this variant (Variation ID: 1482114). Based on the evidence outlined above, the variant was classified as uncertain significance.

Ambry Genetics
Classification: Uncertain significance for Inborn genetic diseases. Last evaluated: 2024-10-11. Review status: criteria provided, single submitter. Criteria: Ambry Variant Classification Scheme 2023. Collection method: clinical testing. Allele origin: germline.

Labcorp Genetics (formerly Invitae), Labcorp
Classification: Uncertain significance. Last evaluated: 2022-07-26. Review status: criteria provided, single submitter. Criteria: Invitae Variant Classification Sherloc (09022015). Collection method: clinical testing. Allele origin: germline.
Comment: This sequence change replaces glycine, which is neutral and non-polar, with serine, which is neutral and polar, at codon 945 of the CNTNAP1 protein (p.Gly945Ser). This variant is present in population databases (rs151308193, gnomAD 0.01%). This variant has not been reported in the literature in individuals affected with CNTNAP1-related conditions. ClinVar contains an entry for this variant (Variation ID: 1482114). Algorithms developed to predict the effect of missense changes on protein structure and function (SIFT, PolyPhen-2, Align-GVGD) all suggest that this variant is likely to be disruptive. In summary, the available evidence is currently insufficient to determine the role of this variant in disease. Therefore, it has been classified as a Variant of Uncertain Significance.

Mayo Clinic Laboratories, Mayo Clinic
Classification: Uncertain significance. Last evaluated: 2022-05-12. Review status: criteria provided, single submitter. Criteria: ACMG Guidelines, 2015. Collection method: clinical testing. Allele origin: germline. Observed: 1 variant allele.